The following is an entry in ClinVar:

NM_000059.4(BRCA2):c.5368G>C (p.Val1790Leu)

Gene: BRCA2 (BRCA2 DNA repair associated; plus strand). Cytogenetic location: 13q13.1.
Variant type: single nucleotide variant.
Coding change: c.5368G>C on transcript NM_000059.4 (MANE Select); coding-DNA position 5368, G replaced by C.
Protein change: p.Val1790Leu; replaces valine 1790 with leucine.
Molecular consequence: missense variant.
Genome position (GRCh38, 1-based): chr13:32,339,723, G>C. VCF-style: chr13-32339723-G-C. GRCh37 (hg19) VCF-style: chr13-32913860-G-C.
Other names: short protein forms V1790L.
Identifiers: ClinVar variation 560764 (VCV000560764.16), dbSNP rs1566232328, ClinGen allele CA387785130.

ClinVar aggregate classification (germline): Conflicting classifications of pathogenicity. Review status: criteria provided, conflicting classifications (1 of 4 stars). 5 submissions from 5 submitters: Uncertain significance (4); Likely benign (1). Last evaluated 2025-10-22.

Conditions:
Hereditary cancer-predisposing syndrome. Also called: Hereditary neoplastic syndrome; Neoplastic Syndromes, Hereditary; Tumor predisposition; Hereditary Cancer Syndrome. Identifiers: Orphanet 140162, MedGen C0027672, MeSH D009386, MONDO:0015356.
Hereditary breast ovarian cancer syndrome. Also called: BRCA1- and BRCA2-Associated Hereditary Breast and Ovarian Cancer; Hereditary breast and ovarian cancer syndrome; Hereditary breast and ovarian cancer; Hereditary breast and ovarian cancer syndrome (HBOC); Hereditary breast and/or ovarian cancer syndrome; Breast and ovarian cancer. Identifiers: Orphanet 145, MedGen C0677776, MeSH D061325, MONDO:0003582. Disease mechanism: loss of function.

Allele frequency attached by ClinVar (database versions not stated): TOPMed below 0.00001.

Submissions (5):

Ambry Genetics
Classification: Uncertain significance for Hereditary cancer-predisposing syndrome. Last evaluated: 2025-10-22. Review status: criteria provided, single submitter. Criteria: Ambry Variant Classification Scheme 2023. Collection method: clinical testing. Allele origin: germline.
Comment: The p.V1790L variant (also known as c.5368G>C), located in coding exon 10 of the BRCA2 gene, results from a G to C substitution at nucleotide position 5368. The valine at codon 1790 is replaced by leucine, an amino acid with highly similar properties. This amino acid position is not well conserved in available vertebrate species. In addition, this alteration is predicted to be tolerated by in silico analysis. Since supporting evidence is limited at this time, the clinical significance of this alteration remains unclear.

Labcorp Genetics (formerly Invitae), Labcorp
Classification: Uncertain significance for Hereditary breast ovarian cancer syndrome. Last evaluated: 2025-01-12. Review status: criteria provided, single submitter. Criteria: Invitae Variant Classification Sherloc (09022015). Collection method: clinical testing. Allele origin: germline.
Comment: This sequence change replaces valine, which is neutral and non-polar, with leucine, which is neutral and non-polar, at codon 1790 of the BRCA2 protein (p.Val1790Leu). This variant is not present in population databases (gnomAD no frequency). This variant has not been reported in the literature in individuals affected with BRCA2-related conditions. ClinVar contains an entry for this variant (Variation ID: 560764). Invitae Evidence Modeling of protein sequence and biophysical properties (such as structural, functional, and spatial information, amino acid conservation, physicochemical variation, residue mobility, and thermodynamic stability) indicates that this missense variant is not expected to disrupt BRCA2 protein function with a negative predictive value of 95%. In summary, the available evidence is currently insufficient to determine the role of this variant in disease. Therefore, it has been classified as a Variant of Uncertain Significance.

Quest Diagnostics Nichols Institute San Juan Capistrano
Classification: Uncertain significance. Last evaluated: 2024-02-16. Review status: criteria provided, single submitter. Criteria: Quest Diagnostics criteria. Collection method: clinical testing. Allele origin: unknown.
Comment: The BRCA2 c.5368G>C (p.Val1790Leu) variant has not been reported in individuals with BRCA2-related conditions in the published literature. However, the variant has been described to be located in a region of the BRCA2 gene that is tolerant to missense sequence changes (PMID: 31911673 (2020)). It has not been reported in large, multi-ethnic general populations (Genome Aggregation Database). Analysis of this variant using bioinformatics tools for the prediction of the effect of amino acid changes on protein structure and function yielded conflicting predictions that this variant is deleterious or benign. Based on the available information, we are unable to determine the clinical significance of this variant.

University of Washington Department of Laboratory Medicine, University of Washington
Classification: Likely benign for Hereditary cancer-predisposing syndrome. Last evaluated: 2023-03-23. Review status: criteria provided, single submitter. Criteria: Dines et al. (Genet Med. 2020). Collection method: curation. Allele origin: germline.
Comment: Missense variant in a coldspot region where missense variants are very unlikely to be pathogenic (PMID:31911673).

BRCA2 exon 11 coldspot. Reclassification based on statistical prior probability.

PreventionGenetics, part of Exact Sciences
Classification: Uncertain significance. Last evaluated: 2018-01-15. Review status: criteria provided, single submitter. Criteria: ACMG Guidelines, 2015. Collection method: clinical testing. Allele origin: germline.

Literature cited by the submitters: PubMed 31911673 (cited by Quest Diagnostics Nichols Institute San Juan Capistrano).